The following is an entry in ClinVar:

NM_000016.6(ACADM):c.826G>C (p.Ala276Pro)

Gene: ACADM (acyl-CoA dehydrogenase medium chain; plus strand). Cytogenetic location: 1p31.1.
Variant type: single nucleotide variant.
Coding change: c.826G>C on transcript NM_000016.6 (MANE Select); coding-DNA position 826, G replaced by C.
Protein change: p.Ala276Pro; replaces alanine 276 with proline.
Molecular consequence: missense variant.
Genome position (GRCh38, 1-based): chr1:75,749,536, G>C. VCF-style: chr1-75749536-G-C. GRCh37 (hg19) VCF-style: chr1-76215221-G-C.
Other names: c.838G>C, p.Ala280Pro (NM_001127328.3); c.718G>C, p.Ala240Pro (NM_001286042.2); c.925G>C, p.Ala309Pro (NM_001286043.2); c.259G>C, p.Ala87Pro (NM_001286044.2); short protein forms A240P, A276P, A280P, A309P, A87P.
Identifiers: ClinVar variation 3611525 (VCV003611525.2).
Genomic context (GRCh38, chr1:75,749,536, plus strand): 5'-AAAGTGCCTAAAGAAAATGTTTTAATTGGTGACGGAGCTGGTTTCAAAGTTGCAATGGGA[G>C]CTTTTGATAAAACCAGACCTGTAGTAAGTAATATGGGTTCATAATCTTTATAGGATCTTT-3'
Protein context (NP_000007.1, residues 266-286): DGAGFKVAMG[Ala276Pro]FDKTRPVVAA

ClinVar aggregate classification (germline): Likely pathogenic (1 of 4 stars; one submission).

Conditions:
Medium-chain acyl-coenzyme A dehydrogenase deficiency (ACADMD). Also called: CARNITINE DEFICIENCY SECONDARY TO MEDIUM-CHAIN ACYL-CoA DEHYDROGENASE DEFICIENCY; MCADD; Medium chain acyl-CoA dehydrogenase deficiency; MCAD Deficiency; ACADM DEFICIENCY; MCADH DEFICIENCY. Identifiers: Orphanet 42, MedGen C0220710, MONDO:0008721, OMIM 201450.

gnomAD v4.1: 5 of 1,613,954 alleles (0.00031%); highest among the groups gnomAD compares: Non-Finnish European, 0.00034%; no homozygotes.

Submission:

Labcorp Genetics (formerly Invitae), Labcorp
Classification: Likely pathogenic for Medium-chain acyl-coenzyme A dehydrogenase deficiency. Last evaluated: 2024-04-08. Review status: criteria provided, single submitter. Criteria: Invitae Variant Classification Sherloc (09022015). Collection method: clinical testing. Allele origin: germline.
Comment: This sequence change replaces alanine, which is neutral and non-polar, with proline, which is neutral and non-polar, at codon 276 of the ACADM protein (p.Ala276Pro). This variant is present in population databases (no rsID available, gnomAD 0.0009%). This missense change has been observed in individual(s) with biochemical features of medium chain acyl-CoA dehydrogenase deficiency (Invitae). In at least one individual the data is consistent with being in trans (on the opposite chromosome) from a pathogenic variant. Advanced modeling of protein sequence and biophysical properties (such as structural, functional, and spatial information, amino acid conservation, physicochemical variation, residue mobility, and thermodynamic stability) performed at Invitae indicates that this missense variant is expected to disrupt ACADM protein function with a positive predictive value of 80%. In summary, the currently available evidence indicates that the variant is pathogenic, but additional data are needed to prove that conclusively. Therefore, this variant has been classified as Likely Pathogenic.